The following is an entry in ClinVar:

ClinVar aggregate classification (germline): Conflicting classifications of pathogenicity. Review status: criteria provided, conflicting classifications (1 of 4 stars). 2 submissions from 2 submitters: Uncertain significance (1); Likely benign (1). Last evaluated 2024-04-29.

Conditions:
Hereditary cancer-predisposing syndrome. Also called: Hereditary neoplastic syndrome; Tumor predisposition; Neoplastic Syndromes, Hereditary; Hereditary Cancer Syndrome. Identifiers: Orphanet 140162, MedGen C0027672, MeSH D009386, MONDO:0015356.
Hereditary breast ovarian cancer syndrome. Also called: Hereditary breast and ovarian cancer; Breast and ovarian cancer; BRCA1- and BRCA2-Associated Hereditary Breast and Ovarian Cancer; Hereditary breast and/or ovarian cancer syndrome; Hereditary breast and ovarian cancer syndrome; Hereditary breast and ovarian cancer syndrome (HBOC). Identifiers: Orphanet 145, MedGen C0677776, MeSH D061325, MONDO:0003582. Disease mechanism: loss of function.

Submissions (2):

Labcorp Genetics (formerly Invitae), Labcorp
Classification: Uncertain significance for Hereditary breast ovarian cancer syndrome. Last evaluated: 2024-04-29. Review status: criteria provided, single submitter. Criteria: Invitae Variant Classification Sherloc (09022015). Collection method: clinical testing. Allele origin: germline.
Comment: This sequence change replaces alanine, which is neutral and non-polar, with threonine, which is neutral and polar, at codon 1725 of the BRCA2 protein (p.Ala1725Thr). This variant is not present in population databases (gnomAD no frequency). This variant has not been reported in the literature in individuals affected with BRCA2-related conditions. ClinVar contains an entry for this variant (Variation ID: 1505102). Advanced modeling of protein sequence and biophysical properties (such as structural, functional, and spatial information, amino acid conservation, physicochemical variation, residue mobility, and thermodynamic stability) performed at Invitae indicates that this missense variant is not expected to disrupt BRCA2 protein function with a negative predictive value of 95%. In summary, the available evidence is currently insufficient to determine the role of this variant in disease. Therefore, it has been classified as a Variant of Uncertain Significance.

University of Washington Department of Laboratory Medicine, University of Washington
Classification: Likely benign for Hereditary cancer-predisposing syndrome. Last evaluated: 2023-03-23. Review status: criteria provided, single submitter. Criteria: Dines et al. (Genet Med. 2020). Collection method: curation. Allele origin: germline.
Comment: Missense variant in a coldspot region where missense variants are very unlikely to be pathogenic (PMID:31911673).

BRCA2 exon 11 coldspot. Reclassification based on statistical prior probability.

NM_000059.4(BRCA2):c.5173G>A (p.Ala1725Thr)

Gene: BRCA2 (BRCA2 DNA repair associated; plus strand). Cytogenetic location: 13q13.1.
Variant type: single nucleotide variant.
Coding change: c.5173G>A on transcript NM_000059.4 (MANE Select); coding-DNA position 5173, G replaced by A.
Protein change: p.Ala1725Thr; replaces alanine 1725 with threonine.
Molecular consequence: missense variant.
Genome position (GRCh38, 1-based): chr13:32,339,528, G>A. VCF-style: chr13-32339528-G-A. GRCh37 (hg19) VCF-style: chr13-32913665-G-A.
Other names: short protein forms A1725T.
Identifiers: ClinVar variation 1505102 (VCV001505102.7), dbSNP rs786204275, ClinGen allele CA021584.